The following is an entry in ClinVar:

NM_001387263.1(PATL2):c.1348G>A (p.Val450Met)

Gene: PATL2 (PAT1 homolog 2; minus strand). Cytogenetic location: 15q21.1.
Variant type: single nucleotide variant.
Coding change: c.1348G>A on transcript NM_001387263.1 (MANE Select); coding-DNA position 1348, G replaced by A.
Protein change: p.Val450Met; replaces valine 450 with methionine.
Molecular consequence: missense variant.
Genome position (GRCh38, 1-based): chr15:44,668,359, C>T on the plus strand (G>A on the coding strand, the complement: PATL2 is on the minus strand). VCF-style: chr15-44668359-C-T. GRCh37 (hg19) VCF-style: chr15-44960557-C-T.
Other names: c.1348G>A, p.Val450Met (NM_001145112.2, NM_001387261.1, NM_001387262.1); c.781G>A, p.Val261Met (NM_001330283.2); c.1255G>A, p.Val419Met (NM_001387260.1, NM_001387264.1); short protein forms V261M, V419M, V450M.
Identifiers: ClinVar variation 3048603 (VCV003048603.2), dbSNP rs760378079, ClinGen allele CA7536054.

ClinVar aggregate classification (germline): Likely benign (0 of 4 stars; one submission).

Conditions:
PATL2-related disorder. Also called: PATL2-related condition.

Allele frequency attached by ClinVar (database versions not stated): TOPMed 0.00025; gnomAD 0.00027; ExAC 0.00082.

Submission:

PreventionGenetics, part of Exact Sciences
Classification: Likely benign for PATL2-related condition. Last evaluated: 2023-11-09. Review status: no assertion criteria provided. Collection method: clinical testing. Allele origin: germline.
Comment: This variant is classified as likely benign based on ACMG/AMP sequence variant interpretation guidelines (Richards et al. 2015 PMID: 25741868, with internal and published modifications).